The following is an entry in ClinVar:

NM_003119.4(SPG7):c.1966C>T (p.Arg656Cys)

Gene: SPG7 (SPG7 matrix AAA peptidase subunit, paraplegin; plus strand). Cytogenetic location: 16q24.3.
Variant type: single nucleotide variant.
Coding change: c.1966C>T on transcript NM_003119.4 (MANE Select); coding-DNA position 1966, C replaced by T.
Protein change: p.Arg656Cys; replaces arginine 656 with cysteine.
Molecular consequence: missense variant.
Genome position (GRCh38, 1-based): chr16:89,553,823, C>T. VCF-style: chr16-89553823-C-T. GRCh37 (hg19) VCF-style: chr16-89620231-C-T.
Other names: c.1966C>T, p.Arg656Cys (NM_001363850.1); short protein forms R656C.
Identifiers: ClinVar variation 658262 (VCV000658262.9), dbSNP rs536084933, ClinGen allele CA8244501.

ClinVar aggregate classification (germline): Uncertain significance. Review status: criteria provided, multiple submitters, no conflicts (2 of 4 stars). 2 submissions from 2 submitters: Uncertain significance (2). Last evaluated 2023-09-25.

Conditions:
Hereditary spastic paraplegia 7 (SPG7). Also called: SPG7-related neurologic disorder; SPASTIC PARAPLEGIA 7, AUTOSOMAL RECESSIVE, WITH OR WITHOUT CEREBELLAR ATAXIA; Spastic paraplegia 7; Hereditary spastic paraplegia Paraplegin type; Autosomal recessive spastic paraplegia type 7. Identifiers: Orphanet 99013, MedGen C1846564, MONDO:0011803, OMIM 607259.

Allele frequency attached by ClinVar (database versions not stated): TOPMed 0.00002; gnomAD 0.00004.

Submissions (2):

GeneDx
Classification: Uncertain significance. Last evaluated: 2023-09-25. Review status: criteria provided, single submitter. Criteria: GeneDx Variant Classification Process June 2021. Collection method: clinical testing. Allele origin: germline.
Comment: Has not been previously published as pathogenic or benign to our knowledge; In silico analysis supports that this missense variant has a deleterious effect on protein structure/function; This variant is associated with the following publications: (PMID: 22571692)

Labcorp Genetics (formerly Invitae), Labcorp
Classification: Uncertain significance for Hereditary spastic paraplegia 7. Last evaluated: 2018-09-13. Review status: criteria provided, single submitter. Criteria: Invitae Variant Classification Sherloc (09022015). Collection method: clinical testing. Allele origin: germline.
Comment: In summary, the available evidence is currently insufficient to determine the role of this variant in disease. Therefore, it has been classified as a Variant of Uncertain Significance. Algorithms developed to predict the effect of missense changes on protein structure and function (SIFT, PolyPhen-2, Align-GVGD) all suggest that this variant is likely to be disruptive, but these predictions have not been confirmed by published functional studies and their clinical significance is uncertain. This variant has not been reported in the literature in individuals with SPG7-related disease. This variant is present in population databases (rs536084933, ExAC 0.01%). This sequence change replaces arginine with cysteine at codon 656 of the SPG7 protein (p.Arg656Cys). The arginine residue is moderately conserved and there is a large physicochemical difference between arginine and cysteine.